The following is an entry in ClinVar:

ClinVar aggregate classification (germline): Uncertain significance (1 of 4 stars; one submission).

Conditions:
Hereditary spastic paraplegia 43. Also called: Spastic paraplegia 43, autosomal recessive. Identifiers: Orphanet 320370, MedGen C2680446, MONDO:0014024, OMIM 615043.

Allele frequency attached by ClinVar (database versions not stated): gnomAD exomes 0.00002 and 0.00005; ExAC 0.00007; ESP Exome Variant Server 0.00008; TOPMed 0.00011; gnomAD 0.00013 and 0.00014; 1000 Genomes Project 0.00020; 1000 Genomes Project 30x 0.00031.
gnomAD v4.1: 50 of 1,614,094 alleles (0.0031%); highest among the groups gnomAD compares: African/African-American, 0.035%; no homozygotes.

Submission:

Labcorp Genetics (formerly Invitae), Labcorp
Classification: Uncertain significance for Hereditary spastic paraplegia 43. Last evaluated: 2023-07-17. Review status: criteria provided, single submitter. Criteria: Invitae Variant Classification Sherloc (09022015). Collection method: clinical testing. Allele origin: germline.
Comment: This sequence change replaces threonine, which is neutral and polar, with methionine, which is neutral and non-polar, at codon 113 of the C19orf12 protein (p.Thr113Met). This variant is present in population databases (rs139585199, gnomAD 0.05%). This variant has not been reported in the literature in individuals affected with C19orf12-related conditions. ClinVar contains an entry for this variant (Variation ID: 1682823). In summary, the available evidence is currently insufficient to determine the role of this variant in disease. Therefore, it has been classified as a Variant of Uncertain Significance. Algorithms developed to predict the effect of missense changes on protein structure and function output the following: SIFT: "Not Available"; PolyPhen-2: "Benign"; Align-GVGD: "Not Available". The methionine amino acid residue is found in multiple mammalian species, which suggests that this missense change does not adversely affect protein function.

NM_031448.6(C19orf12):c.305C>T (p.Thr102Met)

Gene: C19orf12 (chromosome 19 open reading frame 12; minus strand). Cytogenetic location: 19q12.
Variant type: single nucleotide variant.
Coding change: c.305C>T on transcript NM_031448.6 (MANE Select); coding-DNA position 305, C replaced by T.
Protein change: p.Thr102Met; replaces threonine 102 with methionine.
Molecular consequence: missense variant. On other transcripts: intron variant (1).
Genome position (GRCh38, 1-based): chr19:29,702,833, G>A on the plus strand (C>T on the coding strand, the complement: C19orf12 is on the minus strand). VCF-style: chr19-29702833-G-A. GRCh37 (hg19) VCF-style: chr19-30193740-G-A.
Other names: c.305C>T, p.Thr102Met (NM_001031726.4, NM_001256047.2); c.113C>T, p.Thr38Met (NM_001282929.1, NM_001282930.3, NM_001282931.3); c.290+15C>T (NM_001256046.3); short protein forms T102M, T38M.
Identifiers: ClinVar variation 1682823 (VCV001682823.6), dbSNP rs139585199, ClinGen allele CA9351891.
Genomic context (GRCh38, chr19:29,702,833, plus strand): 5'-AGCAGCTGCTGCTGCAGGGCCTCGCTGCCCATGACCAGCGCGGTCAGCTGCACGGCGTCC[G>A]TCCACTCCAGGTGCCTGATGATGGCTGCGGCTTCGTTAAAGAGCCTCTGTTGCTCGGCAG-3'
Protein context (NP_113636.2, residues 92-112): AAAIIRHLEW[Thr102Met]DAVQLTALVM